The following is an entry in ClinVar:

NM_018249.6(CDK5RAP2):c.4039_4041delinsGTA (p.Leu1347Val)

Gene: CDK5RAP2 (CDK5 regulatory subunit associated protein 2; minus strand). Cytogenetic location: 9q33.2.
Variant type: Indel.
Coding change: c.4039_4041delinsGTA on transcript NM_018249.6 (MANE Select); coding-DNA positions 4039 to 4041, CTG replaced by GTA.
Protein change: p.Leu1347Val; replaces leucine 1347 with valine.
Molecular consequence: missense variant. On other transcripts: non-coding transcript variant (5).
Genome position (GRCh38, 1-based): chr9:120,419,924-120,419,926, CAG replaced by TAC on the plus strand (CTG replaced by GTA on the coding strand, the reverse complement: CDK5RAP2 is on the minus strand). VCF-style: chr9-120419924-CAG-TAC. GRCh37 (hg19) VCF-style: chr9-123182202-CAG-TAC.
Other names: c.4039_4041delinsGTA, p.Leu1347Val (NM_001011649.3); c.3349_3351delinsGTA, p.Leu1117Val (NM_001272039.2); short protein forms L1347V, L1117V.
Identifiers: ClinVar variation 452860 (VCV000452860.3), dbSNP rs1554734754, ClinGen allele CA658657898.

ClinVar aggregate classification (germline): Uncertain significance. Review status: criteria provided, multiple submitters, no conflicts (2 of 4 stars). 2 submissions from 2 submitters: Uncertain significance (2). Last evaluated 2024-12-16.

Submissions (2):

Women's Health and Genetics/Laboratory Corporation of America, LabCorp
Classification: Uncertain significance. Last evaluated: 2024-12-16. Review status: criteria provided, single submitter. Criteria: LabCorp Variant Classification Summary - May 2015. Collection method: clinical testing. Allele origin: germline.
Comment: Variant summary: CDK5RAP2 c.4039_4041delinsGTA (p.Leu1347Val) results in a conservative amino acid change in the encoded protein sequence. Five of five in-silico tools predict a benign effect of the variant on protein function. This variant consists of two component single-nucleotide variants (SNVs), i.e. c.4041G>A (p.Leu1347=) and c.4039C>G (p.Leu1347Val), and these two variants together are reported as a multi-nucleotide variant (MNV) at a frequency of 0.00016 in 282884 control chromosomes, predominantly at a frequency of 0.0016 within the African or African-American subpopulation in the gnomAD database (v2.1). This frequency is not higher than the maximum estimated for a pathogenic variant in CDK5RAP2 causing Primary Autosomal Recessive Microcephaly 3, allowing no conclusion about variant significance. To our knowledge, no occurrence of c.4039_4041delinsGTA in individuals affected with Primary Autosomal Recessive Microcephaly 3 and no experimental evidence demonstrating its impact on protein function have been reported. ClinVar contains an entry for this variant (Variation ID: 452860). Based on the evidence outlined above, the variant was classified as uncertain significance.

GeneDx
Classification: Uncertain significance. Last evaluated: 2017-10-23. Review status: criteria provided, single submitter. Criteria: GeneDx Variant Classification (06012015). Collection method: clinical testing. Allele origin: germline. Affected: yes.
Comment: The c.4039_4041delCTGinsGTA variant has not been published as a pathogenic variant, nor has it been reported as a benign variant to our knowledge. The c.4039_4041delCTGinsGTA variant is not observed in large population cohorts (Lek et al., 2016). The c.4039_4041delCTGinsGTA variant causes an in-frame deletion of a single Leucine residue and insertion of a single Valine residue at amino acid position 1347, denoted L1347V. The L1347V variant is a conservative amino acid substitution, which is not likely to impact secondary protein structure as these residues share similar properties. This substitution occurs at a position that is not conserved, and in silico analysis predicts this variant likely does not alter the protein structure/function. Based on the currently available information, it is unclear whether this variant is a pathogenic variant or a rare benign variant.